The following is an entry in ClinVar:

ClinVar aggregate classification (germline): Uncertain significance (1 of 4 stars; one submission).

gnomAD v4.1: 1 of 1,590,650 alleles (0.000063%); highest among the groups gnomAD compares: African/African-American, 0.0014%; no homozygotes.

Submission:

Labcorp Genetics (formerly Invitae), Labcorp
Classification: Uncertain significance. Last evaluated: 2025-12-01. Review status: criteria provided, single submitter. Criteria: Invitae Variant Classification Sherloc (09022015). Collection method: clinical testing. Allele origin: germline.
Comment: This sequence change replaces aspartic acid, which is acidic and polar, with glutamic acid, which is acidic and polar, at codon 103 of the FAR1 protein (p.Asp103Glu). This variant is not present in population databases (gnomAD no frequency). This variant has not been reported in the literature in individuals affected with FAR1-related conditions. Invitae Evidence Modeling of protein sequence and biophysical properties (such as structural, functional, and spatial information, amino acid conservation, physicochemical variation, residue mobility, and thermodynamic stability) indicates that this missense variant is not expected to disrupt FAR1 protein function with a negative predictive value of 80%. In summary, the available evidence is currently insufficient to determine the role of this variant in disease. Therefore, it has been classified as a Variant of Uncertain Significance.

NM_032228.6(FAR1):c.309T>G (p.Asp103Glu)

Gene: FAR1 (fatty acyl-CoA reductase 1; plus strand). Cytogenetic location: 11p15.3.
Variant type: single nucleotide variant.
Coding change: c.309T>G on transcript NM_032228.6 (MANE Select); coding-DNA position 309, T replaced by G.
Protein change: p.Asp103Glu; replaces aspartic acid 103 with glutamic acid.
Molecular consequence: missense variant.
Genome position (GRCh38, 1-based): chr11:13,700,436, T>G. VCF-style: chr11-13700436-T-G. GRCh37 (hg19) VCF-style: chr11-13721983-T-G.
Other names: c.309T>G, p.Asp103Glu (NM_001441242.1, NM_001441243.1, NM_001441244.1 and 6 more transcripts); short protein forms D103E.
Identifiers: ClinVar variation 4745338 (VCV004745338.1).